The following is an entry in ClinVar:

ClinVar aggregate classification (germline): Uncertain significance. Review status: criteria provided, multiple submitters, no conflicts (2 of 4 stars). 2 submissions from 2 submitters: Uncertain significance (2). Last evaluated 2025-07-21.

Conditions:
Intellectual developmental disorder, autosomal dominant 1. Also called: MBD5 Haploinsufficiency; Intellectual disability, autosomal dominant 1. Identifiers: Orphanet 228402, MedGen C1969562, MONDO:0007974, OMIM 156200.

Allele frequency attached by ClinVar (database versions not stated): gnomAD 0.00003 and 0.00002; gnomAD exomes below 0.00001; TOPMed 0.00001.
gnomAD v4.1: 6 of 1,613,736 alleles (0.00037%); highest among the groups gnomAD compares: African/African-American, 0.0053%; no homozygotes.

Submissions (2):

Labcorp Genetics (formerly Invitae), Labcorp
Classification: Uncertain significance for Intellectual developmental disorder, autosomal dominant 1. Last evaluated: 2025-07-21. Review status: criteria provided, single submitter. Criteria: Invitae Variant Classification Sherloc (09022015). Collection method: clinical testing. Allele origin: germline.
Comment: This sequence change replaces glycine, which is neutral and non-polar, with aspartic acid, which is acidic and polar, at codon 722 of the MBD5 protein (p.Gly722Asp). This variant is not present in population databases (gnomAD no frequency). This variant has not been reported in the literature in individuals affected with MBD5-related conditions. ClinVar contains an entry for this variant (Variation ID: 1315102). Invitae Evidence Modeling of protein sequence and biophysical properties (such as structural, functional, and spatial information, amino acid conservation, physicochemical variation, residue mobility, and thermodynamic stability) indicates that this missense variant is not expected to disrupt MBD5 protein function with a negative predictive value of 80%. In summary, the available evidence is currently insufficient to determine the role of this variant in disease. Therefore, it has been classified as a Variant of Uncertain Significance.

GeneDx
Classification: Uncertain significance. Last evaluated: 2020-01-15. Review status: criteria provided, single submitter. Criteria: GeneDx Variant Classification Process June 2021. Collection method: clinical testing. Allele origin: germline. Affected: yes.
Comment: Not observed in large population cohorts (Lek et al., 2016); In silico analysis, which includes protein predictors and evolutionary conservation, supports that this variant does not alter protein structure/function; Has not been previously published as pathogenic or benign to our knowledge

NM_001378120.1(MBD5):c.2165G>A (p.Gly722Asp)

Gene: MBD5 (methyl-CpG binding domain protein 5; plus strand). Cytogenetic location: 2q23.1.
Variant type: single nucleotide variant.
Coding change: c.2165G>A on transcript NM_001378120.1 (MANE Select); coding-DNA position 2165, G replaced by A.
Protein change: p.Gly722Asp; replaces glycine 722 with aspartic acid.
Molecular consequence: missense variant.
Genome position (GRCh38, 1-based): chr2:148,470,108, G>A. VCF-style: chr2-148470108-G-A. GRCh37 (hg19) VCF-style: chr2-149227677-G-A.
Other names: c.2165G>A, p.Gly722Asp (NM_018328.5); short protein forms G722D.
Identifiers: ClinVar variation 1315102 (VCV001315102.6), dbSNP rs1276079664, ClinGen allele CA348721263.